The following is an entry in ClinVar:

ClinVar aggregate classification (germline): Pathogenic (1 of 4 stars; one submission).

Conditions:
McKusick-Kaufman syndrome (MKKS). Also called: HYDROMETROCOLPOS SYNDROME; HYDROMETROCOLPOS, POSTAXIAL POLYDACTYLY, AND CONGENITAL HEART MALFORMATION. Identifiers: Orphanet 2473, MedGen C0948368, MONDO:0009367, OMIM 236700.
Bardet-Biedl syndrome (BBS). Identifiers: Orphanet 110, MedGen C0752166, MONDO:0015229.

Submission:

Labcorp Genetics (formerly Invitae), Labcorp
Classification: Pathogenic for McKusick-Kaufman syndrome; Bardet-Biedl syndrome. Last evaluated: 2024-02-25. Review status: criteria provided, single submitter. Criteria: Invitae Variant Classification Sherloc (09022015). Collection method: clinical testing. Allele origin: germline.
Comment: This sequence change creates a premature translational stop signal (p.Leu399*) in the MKKS gene. It is expected to result in an absent or disrupted protein product. Loss-of-function variants in MKKS are known to be pathogenic (PMID: 11179009, 28761321, 30614526). This variant is not present in population databases (gnomAD no frequency). This variant has not been reported in the literature in individuals affected with MKKS-related conditions. For these reasons, this variant has been classified as Pathogenic.

Literature cited by the submitters: PubMed 11179009; PubMed 28761321; PubMed 30614526.

NM_170784.3(MKKS):c.1196T>G (p.Leu399Ter)

Gene: MKKS (MKKS centrosomal shuttling protein; minus strand). Cytogenetic location: 20p12.2.
Variant type: single nucleotide variant.
Coding change: c.1196T>G on transcript NM_170784.3 (MANE Select); coding-DNA position 1196, T replaced by G.
Protein change: p.Leu399Ter; replaces leucine 399 with a stop codon.
Molecular consequence: nonsense. On other transcripts: non-coding transcript variant (1).
Genome position (GRCh38, 1-based): chr20:10,407,692, A>C on the plus strand (T>G on the coding strand, the complement: MKKS is on the minus strand). VCF-style: chr20-10407692-A-C. GRCh37 (hg19) VCF-style: chr20-10388340-A-C.
Other names: c.1196T>G, p.Leu399Ter (NM_018848.3); short protein forms L399*.
Identifiers: ClinVar variation 3754817 (VCV003754817.2).